The following is an entry in ClinVar:

NM_000535.7(PMS2):c.659G>T (p.Ser220Ile)

Gene: PMS2 (PMS1 homolog 2, mismatch repair system component; minus strand). Cytogenetic location: 7p22.1.
Variant type: single nucleotide variant.
Coding change: c.659G>T on transcript NM_000535.7 (MANE Select); coding-DNA position 659, G replaced by T.
Protein change: p.Ser220Ile; replaces serine 220 with isoleucine.
Molecular consequence: missense variant. On other transcripts: 5 prime UTR variant (2), non-coding transcript variant (1), intron variant (1).
Genome position (GRCh38, 1-based): chr7:5,999,154, C>A on the plus strand (G>T on the coding strand, the complement: PMS2 is on the minus strand). VCF-style: chr7-5999154-C-A. GRCh37 (hg19) VCF-style: chr7-6038785-C-A.
Other names: c.254G>T, p.Ser85Ile (NM_001322003.2, NM_001322004.2, NM_001322005.2 and 2 more transcripts); c.659G>T, p.Ser220Ile (NM_001322006.2, NM_001322014.2); c.341G>T, p.Ser114Ile (NM_001322007.2, NM_001322008.2); c.-275G>T (NM_001322011.2, NM_001322012.2); c.350G>T, p.Ser117Ile (NM_001322015.2); c.133-1731G>T (NM_001322013.2); c.659G>T (NM_000535.5); short protein forms S117I, S85I, S114I, S220I.
Identifiers: ClinVar variation 928304 (VCV000928304.12), dbSNP rs769967916, ClinGen allele CA050797.

ClinVar aggregate classification (germline): Uncertain significance. Review status: criteria provided, multiple submitters, no conflicts (2 of 4 stars). 6 submissions from 6 submitters: Uncertain significance (6). Last evaluated 2025-03-04.

Conditions:
Hereditary cancer-predisposing syndrome. Also called: Neoplastic Syndromes, Hereditary; Hereditary Cancer Syndrome; Tumor predisposition; Hereditary neoplastic syndrome. Identifiers: Orphanet 140162, MedGen C0027672, MeSH D009386, MONDO:0015356.
Hereditary nonpolyposis colorectal neoplasms. Identifiers: MedGen C0009405, MeSH D003123.
Lynch syndrome 4 (LYNCH4). Also called: Colorectal cancer, hereditary nonpolyposis, type 4; Hereditary non-polyposis colorectal cancer, type 4. Identifiers: Orphanet 144, MedGen C1838333, MONDO:0013699, OMIM 614337. Disease mechanism: loss of function.

Allele frequency attached by ClinVar (database versions not stated): gnomAD below 0.00001 and 0.00001.
gnomAD v4.1: 12 of 1,613,990 alleles (0.00074%); highest among the groups gnomAD compares: South Asian, 0.012%; no homozygotes.

Submissions (6):

Ambry Genetics
Classification: Uncertain significance for Hereditary cancer-predisposing syndrome. Last evaluated: 2025-03-04. Review status: criteria provided, single submitter. Criteria: Ambry Variant Classification Scheme 2023. Collection method: clinical testing. Allele origin: germline.
Comment: The p.S220I variant (also known as c.659G>T), located in coding exon 6 of the PMS2 gene, results from a G to T substitution at nucleotide position 659. The serine at codon 220 is replaced by isoleucine, an amino acid with dissimilar properties. This amino acid position is conserved. In addition, the in silico prediction for this alteration is inconclusive. Based on the available evidence, the clinical significance of this variant remains unclear.

GeneDx
Classification: Uncertain significance. Last evaluated: 2024-06-06. Review status: criteria provided, single submitter. Criteria: GeneDx Variant Classification Process June 2021. Collection method: clinical testing. Allele origin: germline. Affected: yes.
Comment: In silico analysis supports that this missense variant has a deleterious effect on protein structure/function; Has not been previously published as pathogenic or benign to our knowledge; This variant is associated with the following publications: (PMID: 11574484)

Labcorp Genetics (formerly Invitae), Labcorp
Classification: Uncertain significance for Hereditary nonpolyposis colorectal neoplasms. Last evaluated: 2024-05-06. Review status: criteria provided, single submitter. Criteria: Invitae Variant Classification Sherloc (09022015). Collection method: clinical testing. Allele origin: germline.
Comment: This sequence change replaces serine, which is neutral and polar, with isoleucine, which is neutral and non-polar, at codon 220 of the PMS2 protein (p.Ser220Ile). This variant is present in population databases (rs769967916, gnomAD 0.02%). This variant has not been reported in the literature in individuals affected with PMS2-related conditions. ClinVar contains an entry for this variant (Variation ID: 928304). Advanced modeling of protein sequence and biophysical properties (such as structural, functional, and spatial information, amino acid conservation, physicochemical variation, residue mobility, and thermodynamic stability) performed at Invitae indicates that this missense variant is expected to disrupt PMS2 protein function with a positive predictive value of 80%. In summary, the available evidence is currently insufficient to determine the role of this variant in disease. Therefore, it has been classified as a Variant of Uncertain Significance.

Baylor Genetics
Classification: Uncertain significance for Lynch syndrome 4. Last evaluated: 2024-03-28. Review status: criteria provided, single submitter. Criteria: ACMG Guidelines, 2015. Collection method: clinical testing. Allele origin: unknown.

Women's Health and Genetics/Laboratory Corporation of America, LabCorp
Classification: Uncertain significance. Last evaluated: 2023-01-16. Review status: criteria provided, single submitter. Criteria: LabCorp Variant Classification Summary - May 2015. Collection method: clinical testing. Allele origin: germline.

Color Diagnostics, LLC DBA Color Health
Classification: Uncertain significance for Hereditary cancer-predisposing syndrome. Last evaluated: 2019-11-12. Review status: criteria provided, single submitter. Criteria: ACMG Guidelines, 2015. Collection method: clinical testing. Allele origin: germline.
Comment: This missense variant replaces serine with isoleucine at codon 220 of the PMS2 protein. Computational prediction tool suggests that this variant may not impact protein structure and function (internally defined REVEL score threshold ≤0.5, PMID: 27666373). Splice site prediction tools suggest that this variant may not impact RNA splicing. To our knowledge, functional studies have not been performed for this variant. This variant has not been reported in individuals affected with hereditary cancer in the literature. This variant has been identified in 4/251490 chromosomes in the general population by the Genome Aggregation Database (gnomAD). The available evidence is insufficient to determine the role of this variant in disease conclusively. Therefore, this variant is classified as a Variant of Uncertain Significance.